The following is an entry in ClinVar:

ClinVar aggregate classification (germline): Conflicting classifications of pathogenicity. Review status: criteria provided, conflicting classifications (1 of 4 stars). 2 submissions from 2 submitters: Uncertain significance (1); Likely benign (1). Last evaluated 2023-05-21.

Conditions:
Multiple congenital exostosis (EXT). Also called: MULTIPLE CARTILAGINOUS EXOSTOSES; Multiple exostoses; Hereditary multiple osteochondromas; Hereditary multiple exostoses; Hereditary multiple exostosis; Multiple osteochondromas. Identifiers: Orphanet 321, MedGen C0015306, MONDO:0005508, HP:0002762.

Allele frequency attached by ClinVar (database versions not stated): TOPMed 0.00001; ExAC 0.00002; gnomAD exomes 0.00002; gnomAD 0.00003; ESP Exome Variant Server 0.00008.
gnomAD v4.1: 37 of 1,614,026 alleles (0.0023%); highest among the groups gnomAD compares: Non-Finnish European, 0.0031%; no homozygotes.

Submissions (2):

Labcorp Genetics (formerly Invitae), Labcorp
Classification: Uncertain significance for Multiple congenital exostosis. Last evaluated: 2023-05-21. Review status: criteria provided, single submitter. Criteria: Invitae Variant Classification Sherloc (09022015). Collection method: clinical testing. Allele origin: germline.
Comment: This sequence change replaces alanine, which is neutral and non-polar, with glycine, which is neutral and non-polar, at codon 594 of the EXT1 protein (p.Ala594Gly). This variant is present in population databases (rs374887549, gnomAD 0.004%). This variant has not been reported in the literature in individuals affected with EXT1-related conditions. ClinVar contains an entry for this variant (Variation ID: 912089). Advanced modeling of protein sequence and biophysical properties (such as structural, functional, and spatial information, amino acid conservation, physicochemical variation, residue mobility, and thermodynamic stability) performed at Invitae indicates that this missense variant is not expected to disrupt EXT1 protein function. In summary, the available evidence is currently insufficient to determine the role of this variant in disease. Therefore, it has been classified as a Variant of Uncertain Significance.

Illumina Laboratory Services, Illumina
Classification: Likely benign for Exostoses, multiple, type 1. Last evaluated: 2018-01-13. Review status: criteria provided, single submitter. Criteria: ICSL Variant Classification Criteria 13 December 2019. Collection method: clinical testing. Allele origin: germline.
Comment: This variant was observed in the ICSL laboratory as part of a predisposition screen in an ostensibly healthy population. It had not been previously curated by ICSL or reported in the Human Gene Mutation Database (HGMD: prior to June 1st, 2018), and was therefore a candidate for classification through an automated scoring system. Utilizing variant allele frequency, disease prevalence and penetrance estimates, and inheritance mode, an automated score was calculated to assess if this variant is too frequent to cause the disease. Based on the score and internal cut-off values, a variant classified as likely benign is not then subjected to further curation. The score for this variant resulted in a classification of likely benign for this disease.

NM_000127.3(EXT1):c.1781C>G (p.Ala594Gly)

Gene: EXT1 (exostosin glycosyltransferase 1; minus strand). Cytogenetic location: 8q24.11.
Variant type: single nucleotide variant.
Coding change: c.1781C>G on transcript NM_000127.3 (MANE Select); coding-DNA position 1781, C replaced by G.
Protein change: p.Ala594Gly; replaces alanine 594 with glycine.
Molecular consequence: missense variant.
Genome position (GRCh38, 1-based): chr8:117,807,319, G>C on the plus strand (C>G on the coding strand, the complement: EXT1 is on the minus strand). VCF-style: chr8-117807319-G-C. GRCh37 (hg19) VCF-style: chr8-118819558-G-C.
Other names: short protein forms A594G.
Identifiers: ClinVar variation 912089 (VCV000912089.8), dbSNP rs374887549, ClinGen allele CA4854013.